The following is an entry in ClinVar:

ClinVar aggregate classification (germline): Uncertain significance. Review status: criteria provided, multiple submitters, no conflicts (2 of 4 stars). 2 submissions from 2 submitters: Uncertain significance (2). Last evaluated 2025-02-15.

Conditions:
Hereditary cancer-predisposing syndrome. Also called: Tumor predisposition; Hereditary neoplastic syndrome; Hereditary Cancer Syndrome; Neoplastic Syndromes, Hereditary. Identifiers: Orphanet 140162, MedGen C0027672, MeSH D009386, MONDO:0015356.

gnomAD v4.1: 13 of 1,586,854 alleles (0.00082%); highest among the groups gnomAD compares: South Asian, 0.0066%; no homozygotes.

Submissions (2):

Ambry Genetics
Classification: Uncertain significance for Hereditary cancer-predisposing syndrome. Last evaluated: 2025-02-15. Review status: criteria provided, single submitter. Criteria: Ambry Variant Classification Scheme 2023. Collection method: clinical testing. Allele origin: germline.
Comment: The p.V761I variant (also known as c.2281G>A), located in coding exon 16 of the MSH3 gene, results from a G to A substitution at nucleotide position 2281. The valine at codon 761 is replaced by isoleucine, an amino acid with highly similar properties. This amino acid position is poorly conserved in available vertebrate species. In addition, this alteration is predicted to be tolerated by in silico analysis. Since supporting evidence is limited at this time, the clinical significance of this alteration remains unclear.

Labcorp Genetics (formerly Invitae), Labcorp
Classification: Uncertain significance. Last evaluated: 2025-01-23. Review status: criteria provided, single submitter. Criteria: Invitae Variant Classification Sherloc (09022015). Collection method: clinical testing. Allele origin: germline.
Comment: This sequence change replaces valine, which is neutral and non-polar, with isoleucine, which is neutral and non-polar, at codon 761 of the MSH3 protein (p.Val761Ile). This variant is present in population databases (no rsID available, gnomAD 0.01%). This variant has not been reported in the literature in individuals affected with MSH3-related conditions. ClinVar contains an entry for this variant (Variation ID: 935845). An algorithm developed to predict the effect of missense changes on protein structure and function outputs the following: PolyPhen-2: "Benign". The isoleucine amino acid residue is found in multiple mammalian species, which suggests that this missense change does not adversely affect protein function. In summary, the available evidence is currently insufficient to determine the role of this variant in disease. Therefore, it has been classified as a Variant of Uncertain Significance.

NM_002439.5(MSH3):c.2281G>A (p.Val761Ile)

Gene: MSH3 (mutS homolog 3; plus strand). Cytogenetic location: 5q14.1.
Variant type: single nucleotide variant.
Coding change: c.2281G>A on transcript NM_002439.5 (MANE Select); coding-DNA position 2281, G replaced by A.
Protein change: p.Val761Ile; replaces valine 761 with isoleucine.
Molecular consequence: missense variant.
Genome position (GRCh38, 1-based): chr5:80,775,721, G>A. VCF-style: chr5-80775721-G-A. GRCh37 (hg19) VCF-style: chr5-80071540-G-A.
Other names: short protein forms V761I.
Identifiers: ClinVar variation 935845 (VCV000935845.10), dbSNP rs376555325, ClinGen allele CA360280794.